The following is an entry in ClinVar:

ClinVar aggregate classification (germline): Uncertain significance (1 of 4 stars; one submission).

Conditions:
Hypertrophic cardiomyopathy. Also called: HYPERTROPHIC MYOCARDIOPATHY. Identifiers: Orphanet 217569, MedGen C0007194, MeSH D002312, MONDO:0005045, HP:0001639.

Submission:

Labcorp Genetics (formerly Invitae), Labcorp
Classification: Uncertain significance for Hypertrophic cardiomyopathy. Last evaluated: 2018-04-25. Review status: criteria provided, single submitter. Criteria: Invitae Variant Classification Sherloc (09022015). Collection method: clinical testing. Allele origin: germline.
Comment: This sequence change affects codon 1588 of the MYH7 mRNA. It is a 'silent' change, meaning that it does not change the encoded amino acid sequence of the MYH7 protein. This variant is not present in population databases (ExAC no frequency). This variant has not been reported in the literature in individuals with MYH7-related disease. Algorithms developed to predict the effect of sequence changes on RNA splicing suggest that this variant may create or strengthen a splice site, but this prediction has not been confirmed by published transcriptional studies. In summary, the available evidence is currently insufficient to determine the role of this variant in disease. Therefore, it has been classified as a Variant of Uncertain Significance.

NM_000257.4(MYH7):c.4764C>T (p.Arg1588=)

Genes: MHRT (myosin heavy chain associated RNA transcript; plus strand), MYH7 (myosin heavy chain 7; minus strand), LOC126861897 (BRD4-independent group 4 enhancer GRCh37_chr14:23884455-23885654; plus strand). Cytogenetic location: 14q11.2.
Variant type: single nucleotide variant.
Coding change: c.4764C>T on transcript NM_000257.4 (MANE Select); coding-DNA position 4764, C replaced by T.
Protein change: p.Arg1588=; no amino-acid change (arginine 1588 retained).
Molecular consequence: synonymous variant. On other transcripts: non-coding transcript variant (1).
Genome position (GRCh38, 1-based): chr14:23,416,193, G>A on the plus strand (C>T on the coding strand, the complement: MYH7 is on the minus strand). VCF-style: chr14-23416193-G-A. GRCh37 (hg19) VCF-style: chr14-23885402-G-A.
Identifiers: ClinVar variation 567332 (VCV000567332.9), dbSNP rs1566524059, ClinGen allele CA485766564.